The following is an entry in ClinVar:

NM_001394372.1(BICRA):c.2935dup (p.Ala979fs)

Gene: BICRA (BRD4 interacting chromatin remodeling complex associated protein; plus strand). Cytogenetic location: 19q13.33.
Variant type: Duplication.
Coding change: c.2935dup on transcript NM_001394372.1 (MANE Select); coding-DNA position 2935, one base duplicated (G; older notation c.2935dupG).
Protein change: p.Ala979fs; shifts the reading frame from alanine 979.
Molecular consequence: frameshift variant.
Genome position (GRCh38, 1-based): chr19:47,694,939, G duplicated; the last of 7 consecutive G bases (chr19:47,694,933-47,694,939); duplicating any one gives the same sequence. VCF-style (leftmost placement, unchanged base first): chr19-47694932-T-TG. GRCh37 (hg19) VCF-style: chr19-48198189-T-TG.
Other names: c.2935dup, p.Ala979fs (NM_015711.3); short protein forms A979fs.
Identifiers: ClinVar variation 1694931 (VCV001694931.34), dbSNP rs756990560, ClinGen allele CA9542053.

ClinVar aggregate classification (germline): Conflicting classifications of pathogenicity. Review status: criteria provided, conflicting classifications (1 of 4 stars). 3 submissions from 3 submitters: Pathogenic (1); Likely pathogenic (1); Uncertain significance (1). Last evaluated 2025-11-15.

Conditions:
Coffin-Siris syndrome 12. Identifiers: MedGen C5444111, MONDO:0025699, OMIM 619325.

Submissions (3):

GeneDx
Classification: Uncertain significance. Last evaluated: 2025-11-15. Review status: criteria provided, single submitter. Criteria: GeneDx Variant Classification Process June 2021. Collection method: clinical testing. Allele origin: germline.
Comment: Frameshift variant predicted to result in protein truncation or nonsense mediated decay in a gene for which loss of function is a known mechanism of disease; Has not been previously published as pathogenic or benign to our knowledge

Division of Genetic & Genomic Pathology, Hong Kong Children's Hospital
Classification: Likely pathogenic for Coffin-Siris syndrome 12. Last evaluated: 2025-07-03. Review status: criteria provided, single submitter. Criteria: ACMG Guidelines, 2015. Collection method: clinical testing. Allele origin: germline. Affected: yes.
Comment: BICRA c.2935dup p.(Ala979Glyfs*86) is a 1-bp duplication variant located in exon 9 (out of 15 exons) of the gene. It is predicted to induce nonsense-mediated mRNA decay or protein truncation in a gene where loss of function is a recognized disease-causing mechanism (PMID: 23556151). This variant was observed at a very low allele frequency in control populations (gnomAD v4.1.0: total 6/1613760 alleles in all populations; highest allele frequency of 0.00002214 in Admixed American). It has two submissions in ClinVar, with one pathogenic classification and one uncertain significance classification (Accession: VCV001694931.23). Multiple downstream BICRA loss-of-function variants are classified as pathogenic or likely pathogenic in ClinVar (Accession: VCV001685570.1, VCV002691554.1, VCV001700051.1, and VCV001700052.1). For these reasons, BICRA c.2935dup p.(Ala979Glyfs*86) was classified as likely pathogenic.

CeGaT Center for Human Genetics Tuebingen
Classification: Pathogenic. Last evaluated: 2022-05-01. Review status: criteria provided, single submitter. Criteria: CeGaT Center For Human Genetics Tuebingen Variant Classification Criteria Version 2. Collection method: clinical testing. Allele origin: germline. Affected: yes. Observed: 1 variant allele.
Comment: BICRA: PVS1, PS2

Literature cited by the submitters: PubMed 23556151 (cited by Division of Genetic & Genomic Pathology, Hong Kong Children's Hospital).